The following is an entry in ClinVar:

NM_001904.4(CTNNB1):c.1448A>G (p.Asn483Ser)

Genes: CTNNB1 (catenin beta 1; plus strand), LOC126806659 (BRD4-independent group 4 enhancer GRCh37_chr3:41274918-41276117; plus strand). Cytogenetic location: 3p22.1.
Variant type: single nucleotide variant.
Coding change: c.1448A>G on transcript NM_001904.4 (MANE Select); coding-DNA position 1448, A replaced by G.
Protein change: p.Asn483Ser; replaces asparagine 483 with serine.
Molecular consequence: missense variant.
Genome position (GRCh38, 1-based): chr3:41,233,791, A>G. VCF-style: chr3-41233791-A-G. GRCh37 (hg19) VCF-style: chr3-41275282-A-G.
Other names: c.1448A>G, p.Asn483Ser (NM_001098209.2, NM_001098210.2); c.1427A>G, p.Asn476Ser (NM_001330729.2); short protein forms N476S, N483S.
Identifiers: ClinVar variation 3664698 (VCV003664698.2).

ClinVar aggregate classification (germline): Uncertain significance (1 of 4 stars; one submission).

Submission:

Labcorp Genetics (formerly Invitae), Labcorp
Classification: Uncertain significance. Last evaluated: 2025-02-02. Review status: criteria provided, single submitter. Criteria: Invitae Variant Classification Sherloc (09022015). Collection method: clinical testing. Allele origin: germline.
Comment: This sequence change replaces asparagine, which is neutral and polar, with serine, which is neutral and polar, at codon 483 of the CTNNB1 protein (p.Asn483Ser). This variant is not present in population databases (gnomAD no frequency). This variant has not been reported in the literature in individuals affected with CTNNB1-related conditions. Invitae Evidence Modeling of protein sequence and biophysical properties (such as structural, functional, and spatial information, amino acid conservation, physicochemical variation, residue mobility, and thermodynamic stability) indicates that this missense variant is not expected to disrupt CTNNB1 protein function with a negative predictive value of 80%. In summary, the available evidence is currently insufficient to determine the role of this variant in disease. Therefore, it has been classified as a Variant of Uncertain Significance.